The following is an entry in ClinVar:

ClinVar aggregate classification (germline): Likely benign. Review status: criteria provided, multiple submitters, no conflicts (2 of 4 stars). 2 submissions from 2 submitters: Likely benign (2). Last evaluated 2026-03-01.

Conditions:
Anterior segment dysgenesis 7 (ASGD7). Also called: Anterior segment dysgenesis 7, with sclerocornea; SCLEROCORNEA WITH OTHER OCULAR ANOMALIES. Identifiers: Orphanet 289499, MedGen C3151617, MONDO:0010015, OMIM 269400.

Allele frequency attached by ClinVar (database versions not stated): gnomAD below 0.00001 and 0.00003; TOPMed 0.00004; gnomAD exomes 0.00007 and 0.00010; ExAC 0.00008; ESP Exome Variant Server 0.00008.
gnomAD v4.1: 101 of 1,614,020 alleles (0.0063%); highest among the groups gnomAD compares: South Asian, 0.068%; 3 homozygotes.

Submissions (2):

CeGaT Center for Human Genetics Tuebingen
Classification: Likely benign. Last evaluated: 2026-03-01. Review status: criteria provided, single submitter. Criteria: CeGaT Center For Human Genetics Tuebingen Variant Classification Criteria Version 2. Collection method: clinical testing. Allele origin: germline. Affected: yes. Observed: 1 variant allele.
Comment: PXDN: BP4, BP7

Labcorp Genetics (formerly Invitae), Labcorp
Classification: Likely benign for Anterior segment dysgenesis 7. Last evaluated: 2024-02-19. Review status: criteria provided, single submitter. Criteria: Invitae Variant Classification Sherloc (09022015). Collection method: clinical testing. Allele origin: germline.

NM_012293.3(PXDN):c.2271C>T (p.Gly757=)

Gene: PXDN (peroxidasin; minus strand). Cytogenetic location: 2p25.3.
Variant type: single nucleotide variant.
Coding change: c.2271C>T on transcript NM_012293.3 (MANE Select); coding-DNA position 2271, C replaced by T.
Protein change: p.Gly757=; no amino-acid change (glycine 757 retained).
Molecular consequence: synonymous variant.
Genome position (GRCh38, 1-based): chr2:1,649,509, G>A on the plus strand (C>T on the coding strand, the complement: PXDN is on the minus strand). VCF-style: chr2-1649509-G-A. GRCh37 (hg19) VCF-style: chr2-1653281-G-A.
Identifiers: ClinVar variation 744527 (VCV000744527.9), dbSNP rs374573243, ClinGen allele CA1513017.
Genomic context (GRCh38, chr2:1,649,509, plus strand): 5'-GGTGTTGAAGCCATTCTCGTACACGGATTTCAGCAGGCGCTCGAAGGCGGTCAGCGAGGC[G>A]CCCCACATGGGGTGCTGCAGGTTGTTACAGGTGCCGTCGTGCGTCCGGTACTTCTGGTGG-3'
Protein context (NP_036425.1, residues 747-767): TCNNLQHPMW[Gly757=]ASLTAFERLL